The following is an entry in ClinVar:

NM_022114.4(PRDM16):c.2503G>A (p.Ala835Thr)

Gene: PRDM16 (PR/SET domain 16; plus strand). Cytogenetic location: 1p36.32.
Variant type: single nucleotide variant.
Coding change: c.2503G>A on transcript NM_022114.4 (MANE Select); coding-DNA position 2503, G replaced by A.
Protein change: p.Ala835Thr; replaces alanine 835 with threonine.
Molecular consequence: missense variant.
Genome position (GRCh38, 1-based): chr1:3,412,700, G>A. VCF-style: chr1-3412700-G-A. GRCh37 (hg19) VCF-style: chr1-3329264-G-A.
Other names: c.2503G>A, p.Ala835Thr (NM_199454.3); short protein forms A835T.
Identifiers: ClinVar variation 650021 (VCV000650021.36), dbSNP rs755872965, ClinGen allele CA544492.
Genomic context (GRCh38, chr1:3,412,700, plus strand): 5'-CAAAACGGCGGCGGGCGGGAGCCCCGCAAGAACCACGTCTATGGGGAACGCAAGCTGGGC[G>A]CCGGCGAGGGGCTGCCCCAGGTGTGCCCGGCGCGGATGCCCCAGCAGCCCCCGCTCCACT-3'
Protein context (NP_071397.3, residues 825-845): NHVYGERKLG[Ala835Thr]GEGLPQVCPA

ClinVar aggregate classification (germline): Conflicting classifications of pathogenicity. Review status: criteria provided, conflicting classifications (1 of 4 stars). 7 submissions from 7 submitters: Uncertain significance (3); Likely benign (2). 2 of the submissions do not count toward it. Last evaluated 2025-09-23.

Conditions:
Left ventricular noncompaction 8 (LVNC8). Identifiers: Orphanet 154, Orphanet 54260, MedGen C3809288, MONDO:0014152, OMIM 615373.

Allele frequency attached by ClinVar (database versions not stated): gnomAD exomes 0.00005; gnomAD 0.00008 and 0.00009; TOPMed 0.00008; ExAC 0.00018.
gnomAD v4.1: 195 of 1,493,554 alleles (0.013%); highest among the groups gnomAD compares: Non-Finnish European, 0.016%; no homozygotes.

Submissions (7):

Labcorp Genetics (formerly Invitae), Labcorp
Classification: Uncertain significance for Left ventricular noncompaction 8. Last evaluated: 2025-09-23. Review status: criteria provided, single submitter. Criteria: Invitae Variant Classification Sherloc (09022015). Collection method: clinical testing. Allele origin: germline.
Comment: This sequence change replaces alanine, which is neutral and non-polar, with threonine, which is neutral and polar, at codon 835 of the PRDM16 protein (p.Ala835Thr). This variant is present in population databases (rs755872965, gnomAD 0.01%). This variant has not been reported in the literature in individuals affected with PRDM16-related conditions. ClinVar contains an entry for this variant (Variation ID: 650021). An algorithm developed to predict the effect of missense changes on protein structure and function (PolyPhen-2) suggests that this variant is likely to be tolerated. In summary, the available evidence is currently insufficient to determine the role of this variant in disease. Therefore, it has been classified as a Variant of Uncertain Significance.

Blueprint Genetics
Classification: Likely benign. Last evaluated: 2024-07-24. Review status: criteria provided, single submitter. Criteria: ACMG Guidelines, 2015. Collection method: clinical testing. Allele origin: germline.

GeneDx
Classification: Uncertain significance. Last evaluated: 2024-04-02. Review status: criteria provided, single submitter. Criteria: GeneDx Variant Classification Process June 2021. Collection method: clinical testing. Allele origin: germline. Affected: yes.
Comment: Has not been previously published as pathogenic or benign to our knowledge; In silico analysis supports that this missense variant does not alter protein structure/function

CeGaT Center for Human Genetics Tuebingen
Classification: Likely benign. Last evaluated: 2023-04-01. Review status: criteria provided, single submitter. Criteria: CeGaT Center For Human Genetics Tuebingen Variant Classification Criteria Version 2. Collection method: clinical testing. Allele origin: germline. Affected: yes. Observed: 1 variant allele.
Comment: PRDM16: BP4

Breakthrough Genomics
Classification: Uncertain significance. Review status: criteria provided, single submitter. Criteria: ACMG Guidelines, 2015. Collection method: not provided. Allele origin: germline. Inheritance: Autosomal dominant inheritance. Affected: yes.

Clinical Genetics DNA and cytogenetics Diagnostics Lab, Erasmus MC, Erasmus Medical Center
Classification: Likely benign. Review status: no assertion criteria provided. Collection method: clinical testing. Allele origin: germline. Affected: yes. Study: VKGL Data-share Consensus. Not counted in ClinVar's aggregate classification.

Diagnostic Laboratory, Department of Genetics, University Medical Center Groningen
Classification: Likely benign. Review status: no assertion criteria provided. Collection method: clinical testing. Allele origin: germline. Affected: yes. Study: VKGL Data-share Consensus. Not counted in ClinVar's aggregate classification.